The following is an entry in ClinVar:

ClinVar aggregate classification (germline): Pathogenic/Likely pathogenic. Review status: criteria provided, multiple submitters, no conflicts (2 of 4 stars). 6 submissions from 6 submitters: Pathogenic (2); Likely pathogenic (3). 1 of the submissions does not count toward it. Last evaluated 2026-02-03.

Conditions:
Metachromatic leukodystrophy (MLD). Also called: METACHROMATIC LEUKOENCEPHALOPATHY; SULFATIDE LIPIDOSIS; Cerebral sclerosis diffuse metachromatic form; Arylsulfatase A Deficiency; ARSA DEFICIENCY; CEREBROSIDE SULFATASE DEFICIENCY. Identifiers: Orphanet 512, MedGen C0023522, MONDO:0018868, OMIM 250100.

Allele frequency attached by ClinVar (database versions not stated): gnomAD exomes 0.00001.

Submissions (6):

Myriad Genetics, Inc.
Classification: Likely pathogenic for Metachromatic leukodystrophy. Last evaluated: 2026-02-03. Review status: criteria provided, single submitter. Criteria: Myriad Autosomal Dominant, Autosomal Recessive and X-Linked Classification Criteria (2023). Collection method: clinical testing. Allele origin: unknown.
Comment: NM_000487.5(ARSA):c.899T>C(L300S) is a missense variant classified as likely pathogenic in the context of metachromatic leukodystrophy. L300S has been observed in cases with relevant disease (PMID: 9819708, 19154224, 3624058, 31312839). Relevant functional assessments of this variant are available in the literature (PMID: 9819708). L300S has not been observed in referenced population frequency databases. In summary, NM_000487.5(ARSA):c.899T>C(L300S) is a missense variant that has functional support for pathogenicity and has been observed more frequently in cases with the relevant disease than in healthy populations. Please note: this variant was assessed in the context of healthy population screening.

Women's Health and Genetics/Laboratory Corporation of America, LabCorp
Classification: Pathogenic for Metachromatic leukodystrophy. Last evaluated: 2025-03-19. Review status: criteria provided, single submitter. Criteria: LabCorp Variant Classification Summary - May 2015. Collection method: clinical testing. Allele origin: germline.
Comment: Variant summary: ARSA c.899T>C (p.Leu300Ser), also reported as "L298S" and "L289S" [typo in publication], results in a non-conservative amino acid change in the encoded protein sequence. Four of four in-silico tools predict a damaging effect of the variant on protein function. The variant was absent in 248700 control chromosomes. c.899T>C has been reported in the presumed compound heterozygous state in the literature in multiple individuals affected with Metachromatic Leukodystrophy (example, Kurosawa_1998, Lee_2019, Santhanakumaran_2022, Cesani_2016). These data indicate that the variant is likely to be associated with disease. At least one publication reports experimental evidence evaluating an impact on protein function. The most pronounced variant effect results in <10% of normal activity in vitro (example, Kurosawa_1998). The following publications have been ascertained in the context of this evaluation (PMID: 9819708, 31312839, 36240581, 19154224). ClinVar contains an entry for this variant (Variation ID: 68157). Based on the evidence outlined above, the variant was classified as pathogenic.

Natera, Inc.
Classification: Likely pathogenic for Metachromatic leukodystrophy. Last evaluated: 2025-02-06. Review status: criteria provided, single submitter. Criteria: Natera Variant Classification Schema (03/2026). Collection method: clinical testing. Allele origin: germline.
Comment: The c.899T>C variant in ARSA is a missense variant predicted to cause substitution of leucine to serine at amino acid 300. This variant is rare in the general population with a frequency below the threshold expected for the associated phenotype(s). This variant has been observed in one or more individuals affected with the associated recessive disease, as either homozygous or compound heterozygous with a second variant (PMID: 36240581, 9819708). This variant has been identified in one or more affected individual with a phenotype highly consistent with the associated gene (PMID: 36240581, 9819708). Functional studies show that this variant may disrupt protein function (PMID: 9819708). Computational prediction algorithms indicate this variant is likely to affect gene or protein function. Given the available evidence, this variant is classified as Likely Pathogenic.

Labcorp Genetics (formerly Invitae), Labcorp
Classification: Likely pathogenic for Metachromatic leukodystrophy. Last evaluated: 2023-05-09. Review status: criteria provided, single submitter. Criteria: Invitae Variant Classification Sherloc (09022015). Collection method: clinical testing. Allele origin: germline.
Comment: ClinVar contains an entry for this variant (Variation ID: 68157). In summary, the currently available evidence indicates that the variant is pathogenic, but additional data are needed to prove that conclusively. Therefore, this variant has been classified as Likely Pathogenic. Experimental studies have shown that this missense change affects ARSA function (PMID: 9819708, 31312839). Advanced modeling of protein sequence and biophysical properties (such as structural, functional, and spatial information, amino acid conservation, physicochemical variation, residue mobility, and thermodynamic stability) performed at Invitae indicates that this missense variant is expected to disrupt ARSA protein function. This variant is also known as L298S. This missense change has been observed in individuals with metachromatic leukodystrophy (PMID: 9819708, 31312839). This variant is not present in population databases (gnomAD no frequency). This sequence change replaces leucine, which is neutral and non-polar, with serine, which is neutral and polar, at codon 300 of the ARSA protein (p.Leu300Ser).

Eurofins Ntd Llc (ga)
Classification: Pathogenic. Last evaluated: 2012-11-14. Review status: criteria provided, single submitter. Criteria: EGL Classification Definitions 2015. Collection method: clinical testing. Allele origin: germline. Observed: 1 variant allele, 1 heterozygote.

UniProtKB/Swiss-Prot
No classification provided. Review status: no classification provided. Collection method: not provided. Allele origin: not provided. Not counted in ClinVar's aggregate classification.

Literature cited by the submitters: PubMed 19154224 (cited by Myriad Genetics, Inc. and Women's Health and Genetics/Laboratory Corporation of America, LabCorp); PubMed 31312839 (cited by 3 submitters); PubMed 3624058 (cited by Myriad Genetics, Inc.); PubMed 9819708 (cited by 4 submitters); PubMed 36240581 (cited by Women's Health and Genetics/Laboratory Corporation of America, LabCorp and Natera, Inc.).

NM_000487.6(ARSA):c.899T>C (p.Leu300Ser)

Gene: ARSA (arylsulfatase A; minus strand). Cytogenetic location: 22q13.33.
Variant type: single nucleotide variant.
Coding change: c.899T>C on transcript NM_000487.6 (MANE Select); coding-DNA position 899, T replaced by C.
Protein change: p.Leu300Ser; replaces leucine 300 with serine.
Molecular consequence: missense variant.
Genome position (GRCh38, 1-based): chr22:50,626,234, A>G on the plus strand (T>C on the coding strand, the complement: ARSA is on the minus strand). VCF-style: chr22-50626234-A-G. GRCh37 (hg19) VCF-style: chr22-51064662-A-G.
Other names: c.899T>C, p.Leu300Ser (NM_001085425.3, NM_001085426.3, NM_001085427.3); c.641T>C, p.Leu214Ser (NM_001085428.3, NM_001362782.2); short protein forms L300S, L214S.
Identifiers: ClinVar variation 68157 (VCV000068157.13), dbSNP rs199476389, ClinGen allele CA219070.